The following is an entry in ClinVar:

NM_021625.5(TRPV4):c.1011G>A (p.Glu337=)

Gene: TRPV4 (transient receptor potential cation channel subfamily V member 4; minus strand). Cytogenetic location: 12q24.11.
Variant type: single nucleotide variant.
Coding change: c.1011G>A on transcript NM_021625.5 (MANE Select); coding-DNA position 1011, G replaced by A.
Protein change: p.Glu337=; no amino-acid change (glutamic acid 337 retained).
Molecular consequence: synonymous variant.
Genome position (GRCh38, 1-based): chr12:109,798,755, C>T on the plus strand (G>A on the coding strand, the complement: TRPV4 is on the minus strand). VCF-style: chr12-109798755-C-T. GRCh37 (hg19) VCF-style: chr12-110236560-C-T.
Other names: c.870G>A, p.Glu290= (NM_001177428.2, NM_001177433.2); c.909G>A, p.Glu303= (NM_001177431.2); c.1011G>A, p.Glu337= (NM_147204.3).
Identifiers: ClinVar variation 2643285 (VCV002643285.24), dbSNP rs2548749478, ClinGen allele CA481867407.

ClinVar aggregate classification (germline): Likely benign (1 of 4 stars; one submission).

Submission:

CeGaT Center for Human Genetics Tuebingen
Classification: Likely benign. Last evaluated: 2023-01-01. Review status: criteria provided, single submitter. Criteria: CeGaT Center For Human Genetics Tuebingen Variant Classification Criteria Version 2. Collection method: clinical testing. Allele origin: germline. Affected: yes. Observed: 1 variant allele.
Comment: TRPV4: PM2:Supporting, BP4, BP7